The following is an entry in ClinVar:

NM_018075.5(ANO10):c.442C>T (p.Gln148Ter)

Gene: ANO10 (anoctamin 10; minus strand). Cytogenetic location: 3p22.1.
Variant type: single nucleotide variant.
Coding change: c.442C>T on transcript NM_018075.5 (MANE Select); coding-DNA position 442, C replaced by T.
Protein change: p.Gln148Ter; replaces glutamine 148 with a stop codon.
Molecular consequence: nonsense. On other transcripts: intron variant (1).
Genome position (GRCh38, 1-based): chr3:43,598,562, G>A on the plus strand (C>T on the coding strand, the complement: ANO10 is on the minus strand). VCF-style: chr3-43598562-G-A. GRCh37 (hg19) VCF-style: chr3-43640054-G-A.
Other names: c.442C>T, p.Gln148Ter (NM_001204831.3, NM_001204834.3, NM_001346463.2 and 4 more transcripts); c.244C>T, p.Gln82Ter (NM_001204832.3, NM_001346466.2, NM_001346469.2); c.139+7152C>T (NM_001204833.3); short protein forms Q148*, Q82*.
Identifiers: ClinVar variation 5016230 (VCV005016230.1).
Genomic context (GRCh38, chr3:43,598,562, plus strand): 5'-AGAAAAAGACTGGTTGACATAATGACTTACACAATGATTTTCCTGGATACAACTTTGCCT[G>A]AGGGTAACCAGGGATCATTTTTTCATCTTTAGCTCTAAGATTTTCAAGTTCATGTTTGAT-3'

ClinVar aggregate classification (germline): Pathogenic (1 of 4 stars; one submission).

Conditions:
Autosomal recessive spinocerebellar ataxia 10. Identifiers: Orphanet 284289, MedGen C3150998, MONDO:0013392, OMIM 613728.

Submission:

Myriad Genetics, Inc.
Classification: Pathogenic for Autosomal recessive spinocerebellar ataxia 10. Last evaluated: 2026-08-13. Review status: criteria provided, single submitter. Criteria: Myriad Autosomal Dominant, Autosomal Recessive and X-Linked Classification Criteria (2023). Collection method: clinical testing. Allele origin: unknown.
Comment: NM_018075.3(ANO10):c.442C>T(Q148*) is expected to be pathogenic in the context of spinocerebellar ataxia, ANO10-related. This variant is predicted to lead to an abnormal or absent protein product due to the creation of a premature termination codon in ANO10, a gene where loss-of-function variants are known to be pathogenic. Please note: this variant was assessed in the context of healthy population screening.